The following is an entry in ClinVar:

NM_000245.4(MET):c.2719C>G (p.Leu907Val)

Gene: MET (MET proto-oncogene, receptor tyrosine kinase; plus strand). Cytogenetic location: 7q31.2.
Variant type: single nucleotide variant.
Coding change: c.2719C>G on transcript NM_000245.4 (MANE Select); coding-DNA position 2719, C replaced by G.
Protein change: p.Leu907Val; replaces leucine 907 with valine.
Molecular consequence: missense variant.
Genome position (GRCh38, 1-based): chr7:116,769,780, C>G. VCF-style: chr7-116769780-C-G. GRCh37 (hg19) VCF-style: chr7-116409834-C-G.
Other names: c.2773C>G, p.Leu925Val (NM_001127500.3); c.2719C>G, p.Leu907Val (NM_001324401.3); c.1429C>G, p.Leu477Val (NM_001324402.2); short protein forms L477V, L907V, L925V.
Identifiers: ClinVar variation 5024407 (VCV005024407.1).

ClinVar aggregate classification (germline): Uncertain significance (1 of 4 stars; one submission).

Conditions:
Hereditary cancer-predisposing syndrome. Also called: Neoplastic Syndromes, Hereditary; Tumor predisposition; Hereditary neoplastic syndrome; Hereditary Cancer Syndrome. Identifiers: Orphanet 140162, MedGen C0027672, MeSH D009386, MONDO:0015356.

Submission:

Ambry Genetics
Classification: Uncertain significance for Hereditary cancer-predisposing syndrome. Last evaluated: 2026-07-23. Review status: criteria provided, single submitter. Criteria: Ambry Variant Classification Scheme 2023. Collection method: clinical testing. Allele origin: germline.
Comment: The p.L925V variant (also known as c.2773C>G), located in coding exon 11 of the MET gene, results from a C to G substitution at nucleotide position 2773. The leucine at codon 925 is replaced by valine, an amino acid with highly similar properties. This amino acid position is highly conserved in available vertebrate species. In addition, the in silico prediction for this alteration is inconclusive. Based on the available evidence, the clinical significance of this variant remains unclear.